The following is an entry in ClinVar:

ClinVar aggregate classification (germline): Pathogenic. Review status: criteria provided, multiple submitters, no conflicts (2 of 4 stars). 5 submissions from 5 submitters: Pathogenic (5). Last evaluated 2024-03-16.

Conditions:
Lynch syndrome 5 (LYNCH5). Also called: Hereditary non-polyposis colorectal cancer, type 5; Colorectal cancer, hereditary nonpolyposis, type 5. Identifiers: Orphanet 144, MedGen C1833477, MONDO:0013710, OMIM 614350. Disease mechanism: loss of function.
Hereditary cancer-predisposing syndrome. Also called: Hereditary Cancer Syndrome; Neoplastic Syndromes, Hereditary; Hereditary neoplastic syndrome; Tumor predisposition. Identifiers: Orphanet 140162, MedGen C0027672, MeSH D009386, MONDO:0015356.
Endometrial carcinoma. Also called: Endometrial carcinoma, somatic. Identifiers: MedGen C0476089, MONDO:0002447, OMIM 608089, HP:0012114.
Hereditary nonpolyposis colorectal neoplasms. Identifiers: MedGen C0009405, MeSH D003123.

Submissions (5):

Labcorp Genetics (formerly Invitae), Labcorp
Classification: Pathogenic for Hereditary nonpolyposis colorectal neoplasms. Last evaluated: 2024-03-16. Review status: criteria provided, single submitter. Criteria: Invitae Variant Classification Sherloc (09022015). Collection method: clinical testing. Allele origin: germline.
Comment: This sequence change creates a premature translational stop signal (p.Tyr478Leufs*2) in the MSH6 gene. It is expected to result in an absent or disrupted protein product. Loss-of-function variants in MSH6 are known to be pathogenic (PMID: 18269114, 24362816). This variant is not present in population databases (gnomAD no frequency). This premature translational stop signal has been observed in individual(s) with a personal and/or family history of Lynch syndrome-associated cancer (PMID: 20028993). ClinVar contains an entry for this variant (Variation ID: 428366). For these reasons, this variant has been classified as Pathogenic.

GeneDx
Classification: Pathogenic. Last evaluated: 2024-02-14. Review status: criteria provided, single submitter. Criteria: GeneDx Variant Classification Process June 2021. Collection method: clinical testing. Allele origin: germline. Affected: yes.
Comment: Frameshift variant predicted to result in protein truncation or nonsense mediated decay in a gene for which loss of function is a known mechanism of disease; Not observed at significant frequency in large population cohorts (gnomAD); Truncating variants in this gene are considered pathogenic by a well-established clinical consortium and/or database; Identified in individual(s) with personal and/or family history of Lynch-related cancer (PMID: 20028993); This variant is associated with the following publications: (PMID: 20028993)

Myriad Genetics, Inc.
Classification: Pathogenic for Lynch syndrome 5. Last evaluated: 2023-08-14. Review status: criteria provided, single submitter. Criteria: Myriad Autosomal Dominant, Autosomal Recessive and X-Linked Classification Criteria (2023). Collection method: clinical testing. Allele origin: unknown.
Comment: This variant is considered pathogenic. This variant creates a frameshift predicted to result in premature protein truncation.

Baylor Genetics
Classification: Pathogenic for Endometrial carcinoma. Last evaluated: 2022-02-21. Review status: criteria provided, single submitter. Criteria: ACMG Guidelines, 2015. Collection method: clinical testing. Allele origin: unknown.

Ambry Genetics
Classification: Pathogenic for Hereditary cancer-predisposing syndrome. Last evaluated: 2021-04-27. Review status: criteria provided, single submitter. Criteria: Ambry Variant Classification Scheme 2023. Collection method: clinical testing. Allele origin: germline.
Comment: The c.1430dupG pathogenic mutation, located in coding exon 4 of the MSH6 gene, results from a duplication of G at nucleotide position 1430, causing a translational frameshift with a predicted alternate stop codon (p.Y478Lfs*2). A population-based study of families with Lynch syndrome identified this mutation in a family from the United States (Baglietto L et al. J. Natl. Cancer Inst., 2010 Feb;102:193-201). In addition to the clinical data presented in the literature, this alteration is expected to result in loss of function by premature protein truncation or nonsense-mediated mRNA decay. As such, this alteration is interpreted as a disease-causing mutation.

Literature cited by the submitters: PubMed 18269114 (cited by Labcorp Genetics (formerly Invitae), Labcorp); PubMed 24362816 (cited by Labcorp Genetics (formerly Invitae), Labcorp); PubMed 20028993 (cited by Labcorp Genetics (formerly Invitae), Labcorp and Ambry Genetics).

NM_000179.3(MSH6):c.1430dup (p.Tyr478fs)

Gene: MSH6 (mutS homolog 6; plus strand). Cytogenetic location: 2p16.3.
Variant type: Duplication.
Coding change: c.1430dup on transcript NM_000179.3 (MANE Select); coding-DNA position 1430, one base duplicated (G; older notation c.1430dupG).
Protein change: p.Tyr478fs; shifts the reading frame from tyrosine 478.
Molecular consequence: frameshift variant.
Genome position (GRCh38, 1-based): chr2:47,799,413, G duplicated; the last of 3 consecutive G bases (chr2:47,799,411-47,799,413); duplicating any one gives the same sequence. VCF-style (leftmost placement, unchanged base first): chr2-47799410-A-AG. GRCh37 (hg19) VCF-style: chr2-48026549-A-AG.
Other names: c.524dup, p.Tyr176fs (NM_001281494.2, NM_001281493.2); c.1040dup, p.Tyr348fs (NM_001281492.2); c.1430dupG (NM_000179.2); c.1430dup (NM_000179.2); short protein forms Y478fs, Y176fs, Y348fs.
Identifiers: ClinVar variation 428366 (VCV000428366.18), dbSNP rs1114167746, ClinGen allele CA645369246.